The following is an entry in ClinVar:

NM_002772.3(TMPRSS15):c.1957G>T (p.Gly653Ter)

Gene: TMPRSS15 (transmembrane serine protease 15; minus strand). Cytogenetic location: 21q21.1.
Variant type: single nucleotide variant.
Coding change: c.1957G>T on transcript NM_002772.3 (MANE Select); coding-DNA position 1957, G replaced by T.
Protein change: p.Gly653Ter; replaces glycine 653 with a stop codon.
Molecular consequence: nonsense.
Genome position (GRCh38, 1-based): chr21:18,315,221, C>A on the plus strand (G>T on the coding strand, the complement: TMPRSS15 is on the minus strand). VCF-style: chr21-18315221-C-A. GRCh37 (hg19) VCF-style: chr21-19687538-C-A.
Other names: short protein forms G653*.
Identifiers: ClinVar variation 2161655 (VCV002161655.4), dbSNP rs755553149, ClinGen allele CA9984252.

ClinVar aggregate classification (germline): Pathogenic (1 of 4 stars; one submission).

Allele frequency attached by ClinVar (database versions not stated): ExAC 0.00001; gnomAD exomes 0.00001.
gnomAD v4.1: 19 of 1,613,858 alleles (0.0012%); highest among the groups gnomAD compares: Admixed American, 0.0067%; no homozygotes.

Submission:

Labcorp Genetics (formerly Invitae), Labcorp
Classification: Pathogenic. Last evaluated: 2022-07-12. Review status: criteria provided, single submitter. Criteria: Invitae Variant Classification Sherloc (09022015). Collection method: clinical testing. Allele origin: germline.
Comment: This sequence change creates a premature translational stop signal (p.Gly653*) in the TMPRSS15 gene. It is expected to result in an absent or disrupted protein product. Loss-of-function variants in TMPRSS15 are known to be pathogenic (PMID: 11719902). This variant is present in population databases (rs755553149, gnomAD 0.01%). This variant has not been reported in the literature in individuals affected with TMPRSS15-related conditions. Algorithms developed to predict the effect of sequence changes on RNA splicing suggest that this variant may disrupt the consensus splice site. For these reasons, this variant has been classified as Pathogenic.

Literature cited by the submitters: PubMed 11719902.